The following is an entry in ClinVar:

ClinVar aggregate classification (germline): Uncertain significance (1 of 4 stars; one submission).

Conditions:
Inborn genetic diseases. Identifiers: MedGen C0950123, MeSH D030342.

gnomAD v4.1: 1 of 1,597,526 alleles (0.000063%); highest among the groups gnomAD compares: African/African-American, 0.0014%; no homozygotes.

Submission:

Ambry Genetics
Classification: Uncertain significance for Inborn genetic diseases. Last evaluated: 2024-06-08. Review status: criteria provided, single submitter. Criteria: Ambry Variant Classification Scheme 2023. Collection method: clinical testing. Allele origin: germline.
Comment: The p.V437L variant (also known as c.1309G>C), located in coding exon 7 of the PIK3CA gene, results from a G to C substitution at nucleotide position 1309. The valine at codon 437 is replaced by leucine, an amino acid with highly similar properties. This amino acid position is conserved. In addition, the in silico prediction for this alteration is inconclusive. Based on the available evidence, the clinical significance of this variant remains unclear.

NM_006218.4(PIK3CA):c.1309G>C (p.Val437Leu)

Gene: PIK3CA (phosphatidylinositol-4,5-bisphosphate 3-kinase catalytic subunit alpha; plus strand). Cytogenetic location: 3q26.32.
Variant type: single nucleotide variant.
Coding change: c.1309G>C on transcript NM_006218.4 (MANE Select); coding-DNA position 1309, G replaced by C.
Protein change: p.Val437Leu; replaces valine 437 with leucine.
Molecular consequence: missense variant.
Genome position (GRCh38, 1-based): chr3:179,210,243, G>C. VCF-style: chr3-179210243-G-C. GRCh37 (hg19) VCF-style: chr3-178928031-G-C.
Other names: short protein forms V437L.
Identifiers: ClinVar variation 3306575 (VCV003306575.1).